The following is an entry in ClinVar:

ClinVar aggregate classification (germline): Benign. Review status: criteria provided, multiple submitters, no conflicts (2 of 4 stars). 3 submissions from 3 submitters: Benign (3). Last evaluated 2021-05-19.

Conditions:
Autosomal recessive spinocerebellar ataxia 10. Identifiers: Orphanet 284289, MedGen C3150998, MONDO:0013392, OMIM 613728.

Allele frequency attached by ClinVar (database versions not stated): gnomAD exomes 0.00370; gnomAD 0.02603 and 0.02784; 1000 Genomes Project 0.02636; TOPMed 0.03037; 1000 Genomes Project 30x 0.03092.
gnomAD v4.1: 5,901 of 641,070 alleles (0.92%); highest among the groups gnomAD compares: African/African-American, 8.6%; 238 homozygotes.

Submissions (3):

GeneDx
Classification: Benign. Last evaluated: 2021-05-19. Review status: criteria provided, single submitter. Criteria: GeneDx Variant Classification Process June 2021. Collection method: clinical testing. Allele origin: germline. Affected: yes.

Illumina Laboratory Services, Illumina
Classification: Benign for Autosomal recessive spinocerebellar ataxia 10. Last evaluated: 2018-01-12. Review status: criteria provided, single submitter. Criteria: ICSL Variant Classification Criteria 13 December 2019. Collection method: clinical testing. Allele origin: germline.
Comment: This variant was observed in the ICSL laboratory as part of a predisposition screen in an ostensibly healthy population. It had not been previously curated by ICSL or reported in the Human Gene Mutation Database (HGMD: prior to June 1st, 2018), and was therefore a candidate for classification through an automated scoring system. Utilizing variant allele frequency, disease prevalence and penetrance estimates, and inheritance mode, an automated score was calculated to assess if this variant is too frequent to cause the disease. Based on the score and internal cut-off values, a variant classified as benign is not then subjected to further curation. The score for this variant resulted in a classification of benign for this disease.

Breakthrough Genomics
Classification: Benign. Review status: criteria provided, single submitter. Criteria: ACMG Guidelines, 2015. Collection method: not provided. Allele origin: germline. Inheritance: Autosomal recessive inheritance. Affected: yes.

NM_018075.5(ANO10):c.*196C>A

Gene: ANO10 (anoctamin 10; minus strand). Cytogenetic location: 3p22.1.
Variant type: single nucleotide variant.
Coding change: c.*196C>A on transcript NM_018075.5 (MANE Select); 196 bases downstream of the stop codon, C replaced by A.
Molecular consequence: 3 prime UTR variant.
Genome position (GRCh38, 1-based): chr3:43,366,710, G>T on the plus strand (C>A on the coding strand, the complement: ANO10 is on the minus strand). VCF-style: chr3-43366710-G-T. GRCh37 (hg19) VCF-style: chr3-43408202-G-T.
Other names: c.*196C>A (NM_001204834.3, NM_001346463.2, NM_001346464.2 and 7 more transcripts); c.*298C>A (NM_001204831.3).
Identifiers: ClinVar variation 345170 (VCV000345170.8), dbSNP rs73831274, ClinGen allele CA10618738.